The following is an entry in ClinVar:

ClinVar aggregate classification (germline): Conflicting classifications of pathogenicity. Review status: criteria provided, conflicting classifications (1 of 4 stars). 2 submissions from 2 submitters: Uncertain significance (1); Likely benign (1). Last evaluated 2024-07-02.

Conditions:
Hereditary cancer-predisposing syndrome. Also called: Neoplastic Syndromes, Hereditary; Tumor predisposition; Hereditary Cancer Syndrome; Hereditary neoplastic syndrome. Identifiers: Orphanet 140162, MedGen C0027672, MeSH D009386, MONDO:0015356.
Gastrointestinal stromal tumor. Also called: Gastrointestinal stromal tumor, somatic; Gastrointestinal stroma tumor. Identifiers: Orphanet 44890, MedGen C0238198, MeSH D046152, MONDO:0011719, OMIM 606764, HP:0100723.

Allele frequency attached by ClinVar (database versions not stated): TOPMed below 0.00001.

Submissions (2):

Labcorp Genetics (formerly Invitae), Labcorp
Classification: Uncertain significance for Gastrointestinal stromal tumor. Last evaluated: 2024-07-02. Review status: criteria provided, single submitter. Criteria: Invitae Variant Classification Sherloc (09022015). Collection method: clinical testing. Allele origin: germline.
Comment: This sequence change affects codon 48 of the PDGFRA mRNA. It is a 'silent' change, meaning that it does not change the encoded amino acid sequence of the PDGFRA protein. This variant is not present in population databases (gnomAD no frequency). This variant has not been reported in the literature in individuals affected with PDGFRA-related conditions. ClinVar contains an entry for this variant (Variation ID: 1772882). Algorithms developed to predict the effect of sequence changes on RNA splicing suggest that this variant may create or strengthen a splice site. In summary, the available evidence is currently insufficient to determine the role of this variant in disease. Therefore, it has been classified as a Variant of Uncertain Significance.

Ambry Genetics
Classification: Likely benign for Hereditary cancer-predisposing syndrome. Last evaluated: 2019-12-13. Review status: criteria provided, single submitter. Criteria: Ambry Variant Classification Scheme 2023. Collection method: clinical testing. Allele origin: germline.

NM_006206.6(PDGFRA):c.144A>G (p.Arg48=)

Gene: PDGFRA (platelet derived growth factor receptor alpha; plus strand). Cytogenetic location: 4q12.
Variant type: single nucleotide variant.
Coding change: c.144A>G on transcript NM_006206.6 (MANE Select); coding-DNA position 144, A replaced by G.
Protein change: p.Arg48=; no amino-acid change (arginine 48 retained).
Molecular consequence: synonymous variant.
Genome position (GRCh38, 1-based): chr4:54,261,189, A>G. VCF-style: chr4-54261189-A-G. GRCh37 (hg19) VCF-style: chr4-55127356-A-G.
Other names: c.144A>G, p.Arg48= (NM_001347827.2, NM_001347829.2); c.219A>G, p.Arg73= (NM_001347828.2); c.183A>G, p.Arg61= (NM_001347830.2).
Identifiers: ClinVar variation 1772882 (VCV001772882.4), dbSNP rs1553902375, ClinGen allele CA439408511.